The following is an entry in ClinVar:

ClinVar aggregate classification (germline): Uncertain significance. Review status: criteria provided, multiple submitters, no conflicts (2 of 4 stars). 3 submissions from 3 submitters: Uncertain significance (3). Last evaluated 2023-07-17.

Conditions:
Dilated cardiomyopathy 1G (CMD1G). Identifiers: Orphanet 154, MedGen C1858763, MONDO:0011400, OMIM 604145.
Autosomal recessive limb-girdle muscular dystrophy type 2J (LGMDR10). Also called: Limb-girdle muscular dystrophy, type 2J; MUSCULAR DYSTROPHY, LIMB-GIRDLE, AUTOSOMAL RECESSIVE 10. Identifiers: Orphanet 140922, MedGen C1837342, MONDO:0012127, OMIM 608807.
Primary dilated cardiomyopathy (DCM). Also called: Dilated Cardiomyopathy. Identifiers: Orphanet 217604, MedGen C0007193, MeSH D002311, MONDO:0005021, HP:0001644. Inheritance: Various modes of inheritance.

Allele frequency attached by ClinVar (database versions not stated): gnomAD exomes below 0.00001; TOPMed below 0.00001; ExAC 0.00001; gnomAD 0.00001.
gnomAD v4.1: 3 of 1,613,582 alleles (0.00019%); highest among the groups gnomAD compares: African/African-American, 0.004%; no homozygotes.

Submissions (3):

Labcorp Genetics (formerly Invitae), Labcorp
Classification: Uncertain significance for Dilated cardiomyopathy 1G; Autosomal recessive limb-girdle muscular dystrophy type 2J. Last evaluated: 2023-07-17. Review status: criteria provided, single submitter. Criteria: Invitae Variant Classification Sherloc (09022015). Collection method: clinical testing. Allele origin: germline.
Comment: In summary, the available evidence is currently insufficient to determine the role of this variant in disease. Therefore, it has been classified as a Variant of Uncertain Significance. This variant is located in the I band of TTN (PMID: 25589632). Truncating variants in this region have been shown to be highly prevalent in the general population and unaffected individuals (PMID: 26701604, 22335739). However, truncating variants in this region have also been reported in individuals affected with autosomal recessive centronuclear myopathy (PMID: 23975875). ClinVar contains an entry for this variant (Variation ID: 223345). This premature translational stop signal has been observed in individual(s) with dilated cardiomyopathy (PMID: 25589632). This variant is present in population databases (rs767420661, gnomAD 0.007%). This sequence change creates a premature translational stop signal (p.Ser3531*) in the TTN gene. While this is not anticipated to result in nonsense mediated decay, it is expected to create a truncated TTN protein.

GeneDx
Classification: Uncertain significance. Last evaluated: 2021-04-16. Review status: criteria provided, single submitter. Criteria: GeneDx Variant Classification Process June 2021. Collection method: clinical testing. Allele origin: germline. Affected: yes.
Comment: Reported in an individual with dilated cardiomyopathy, however, detailed clinical and segregation information were not included (Roberts et al., 2015); Not observed at a significant frequency in large population cohorts (Lek et al., 2016); Nonsense variant predicted to result in protein truncation or nonsense mediated decay in the I-band region of the TTN gene, which is not one of the regions known to be significantly associated with TTN-related disease; Present in an alternate meta-transcript which contains all possible coding exons of the TTN gene (NM_001267550.1), and is not present in the coding portion of the TTN primary transcripts (NM_133378.4 and NM_001256850.1); This variant is associated with the following publications: (PMID: 25589632)

Cardiovascular Biomedical Research Unit, Royal Brompton & Harefield NHS Foundation Trust
Classification: Uncertain significance for Primary dilated cardiomyopathy. Last evaluated: 2014-10-08. Review status: criteria provided, single submitter. Criteria: Roberts et al. 2015. Collection method: research. Allele origin: germline. Inheritance: Autosomal dominant inheritance. Affected: no. Observed: 1 variant allele. Study: JHS cohort.
Comment: This TTN truncating variant (TTNtv) was identified in one individual in this cohort and is located in an exon with low levels of cardiac expression. In the seven cohorts assessed, TTNtv were found in 14% of ambulant DCM, 22% end-stage or familial DCM, and 2% controls. Heterozygous nonsense, frameshift and canonical splice-disrupting variants found in constitutive and other highly utilised exons are highly likely to be pathogenic when identified in individuals with phenotypically confirmed DCM. TTNtv found incidentally in healthy individuals (excluding familial assessment of DCM relatives) are thought to have low penetrance, particularly when identified in exons that are not constitutively expressed in the heart.

Literature cited by the submitters: PubMed 25589632 (cited by Labcorp Genetics (formerly Invitae), Labcorp); PubMed 26701604 (cited by Labcorp Genetics (formerly Invitae), Labcorp); PubMed 22335739 (cited by Labcorp Genetics (formerly Invitae), Labcorp); PubMed 23975875 (cited by Labcorp Genetics (formerly Invitae), Labcorp).

NM_001267550.2(TTN):c.10592C>G (p.Ser3531Ter)

Gene: TTN (titin; minus strand). Cytogenetic location: 2q31.2.
Variant type: single nucleotide variant.
Coding change: c.10592C>G on transcript NM_001267550.2 (MANE Select); coding-DNA position 10592, C replaced by G.
Protein change: p.Ser3531Ter; replaces serine 3531 with a stop codon.
Molecular consequence: nonsense. On other transcripts: intron variant (5).
Genome position (GRCh38, 1-based): chr2:178,757,628, G>C on the plus strand (C>G on the coding strand, the complement: TTN is on the minus strand). VCF-style: chr2-178757628-G-C. GRCh37 (hg19) VCF-style: chr2-179622355-G-C.
Other names: c.10454C>G, p.Ser3485Ter (NM_133432.3); c.10165+1356C>G (NM_003319.4); c.10166-831C>G (NM_133437.4); c.10303+1356C>G (NM_133378.4, NM_001256850.1, NM_133379.5); c.10592C>G (LRG_391t1); short protein forms S3531*, S3485*.
Identifiers: ClinVar variation 223345 (VCV000223345.8), dbSNP rs767420661, ClinGen allele CA089993.